The following is an entry in ClinVar:

NM_017763.6(RNF43):c.1106C>A (p.Pro369His)

Gene: RNF43 (ring finger protein 43; minus strand). Cytogenetic location: 17q22.
Variant type: single nucleotide variant.
Coding change: c.1106C>A on transcript NM_017763.6 (MANE Select); coding-DNA position 1106, C replaced by A.
Protein change: p.Pro369His; replaces proline 369 with histidine.
Molecular consequence: missense variant.
Genome position (GRCh38, 1-based): chr17:58,358,670, G>T on the plus strand (C>A on the coding strand, the complement: RNF43 is on the minus strand). VCF-style: chr17-58358670-G-T. GRCh37 (hg19) VCF-style: chr17-56436031-G-T.
Other names: c.1106C>A, p.Pro369His (NM_001305544.3); c.725C>A, p.Pro242His (NM_001305545.2); short protein forms P242H, P369H.
Identifiers: ClinVar variation 1037624 (VCV001037624.8), dbSNP rs1972761344, ClinGen allele CA400331633.
Genomic context (GRCh38, chr17:58,358,670, plus strand): 5'-CGGTGATGCCGAGGGCCCATGCCTGGCTCCTGGGATGGCAGGAAGGGACCAGGTCGTGGG[G>T]GCCGAGCCACTGCACTCCGGGAAGGGCCCAACAGGTAGGCAGCAGGGAGGTGGTAGTGGG-3'
Protein context (NP_060233.3, residues 359-379): LGPSRSAVAR[Pro369His]PRPGPFLPSQ

ClinVar aggregate classification (germline): Uncertain significance (1 of 4 stars; one submission).

Submission:

Labcorp Genetics (formerly Invitae), Labcorp
Classification: Uncertain significance. Last evaluated: 2020-09-15. Review status: criteria provided, single submitter. Criteria: Invitae Variant Classification Sherloc (09022015). Collection method: clinical testing. Allele origin: germline.
Comment: In summary, the available evidence is currently insufficient to determine the role of this variant in disease. Therefore, it has been classified as a Variant of Uncertain Significance. Algorithms developed to predict the effect of missense changes on protein structure and function are either unavailable or do not agree on the potential impact of this missense change (SIFT: "Deleterious"; PolyPhen-2: "Benign"; Align-GVGD: "Class C0"). This variant has not been reported in the literature in individuals with RNF43-related conditions. The frequency data for this variant in the population databases is considered unreliable, as metrics indicate insufficient coverage at this position in the ExAC database. This sequence change replaces proline with histidine at codon 369 of the RNF43 protein (p.Pro369His). The proline residue is moderately conserved and there is a moderate physicochemical difference between proline and histidine.